The following is an entry in ClinVar:

NM_002474.3(MYH11):c.4906G>C (p.Ala1636Pro)

Genes: MYH11 (myosin heavy chain 11; minus strand), NDE1 (nudE neurodevelopment protein 1; plus strand). Cytogenetic location: 16p13.11.
Variant type: single nucleotide variant.
Coding change: c.4906G>C on transcript NM_002474.3 (MANE Select); coding-DNA position 4906, G replaced by C.
Protein change: p.Ala1636Pro; replaces alanine 1636 with proline.
Molecular consequence: missense variant. On other transcripts: intron variant (2).
Genome position (GRCh38, 1-based): chr16:15,720,198, C>G on the plus strand (G>C on the coding strand, the complement: MYH11 is on the minus strand). VCF-style: chr16-15720198-C-G. GRCh37 (hg19) VCF-style: chr16-15814055-C-G.
Other names: c.4927G>C, p.Ala1643Pro (NM_001040113.2, NM_001040114.2); c.4906G>C, p.Ala1636Pro (NM_022844.3); c.948-3993C>G (NM_001143979.2, NM_017668.3); short protein forms A1636P, A1643P.
Identifiers: ClinVar variation 629826 (VCV000629826.9), dbSNP rs376331652, ClinGen allele CA278598288.

ClinVar aggregate classification (germline): Uncertain significance. Review status: criteria provided, multiple submitters, no conflicts (2 of 4 stars). 2 submissions from 2 submitters: Uncertain significance (2). Last evaluated 2023-12-04.

Conditions:
Aortic aneurysm, familial thoracic 4 (AAT4). Also called: AORTIC ANEURYSM/AORTIC DISSECTION AND PATENT DUCTUS ARTERIOSUS. Identifiers: MedGen C1851504, MONDO:0007568, OMIM 132900.
Familial thoracic aortic aneurysm and aortic dissection (TAAD). Also called: Thoracic aortic aneurysms and dissections. Identifiers: Orphanet 91387, MedGen C4707243, MONDO:0019625.

Allele frequency attached by ClinVar (database versions not stated): ESP Exome Variant Server 0.00008.

Submissions (2):

Color Diagnostics, LLC DBA Color Health
Classification: Uncertain significance for Familial thoracic aortic aneurysm and aortic dissection. Last evaluated: 2023-12-04. Review status: criteria provided, single submitter. Criteria: ACMG Guidelines, 2015. Collection method: clinical testing. Allele origin: germline.
Comment: Variant of Uncertain Significance due to insufficient evidence: This missense variant is located in the coiled coil myosin tail domain of the MYH11 protein. Computational prediction tools and conservation analyses are inconclusive regarding the impact of this variant on the protein function. Computational splicing tools suggest that this variant may not impact RNA splicing. To our knowledge, functional assays have not been performed for this variant nor has this variant been reported in individuals affected with cardiovascular disorders in the literature. This variant is rare in the general population and has been identified in 0/277264 chromosomes by the Genome Aggregation Database (gnomAD). Available evidence is insufficient to determine the pathogenicity of this variant conclusively.

Labcorp Genetics (formerly Invitae), Labcorp
Classification: Uncertain significance for Aortic aneurysm, familial thoracic 4. Last evaluated: 2021-10-06. Review status: criteria provided, single submitter. Criteria: Invitae Variant Classification Sherloc (09022015). Collection method: clinical testing. Allele origin: germline.
Comment: This sequence change replaces alanine with proline at codon 1643 of the MYH11 protein (p.Ala1643Pro). The alanine residue is highly conserved and there is a small physicochemical difference between alanine and proline. This variant is not present in population databases (ExAC no frequency). This variant has not been reported in the literature in individuals affected with MYH11-related conditions. ClinVar contains an entry for this variant (Variation ID: 629826). Algorithms developed to predict the effect of missense changes on protein structure and function (SIFT, PolyPhen-2, Align-GVGD) all suggest that this variant is likely to be tolerated. In summary, the available evidence is currently insufficient to determine the role of this variant in disease. Therefore, it has been classified as a Variant of Uncertain Significance.